The following is an entry in ClinVar:

ClinVar aggregate classification (germline): Uncertain significance (1 of 4 stars; one submission).

Conditions:
Hereditary cancer-predisposing syndrome. Also called: Hereditary neoplastic syndrome; Hereditary Cancer Syndrome; Neoplastic Syndromes, Hereditary; Tumor predisposition. Identifiers: Orphanet 140162, MedGen C0027672, MeSH D009386, MONDO:0015356.

Submission:

Ambry Genetics
Classification: Uncertain significance for Hereditary cancer-predisposing syndrome. Last evaluated: 2026-07-07. Review status: criteria provided, single submitter. Criteria: Ambry Variant Classification Scheme 2023. Collection method: clinical testing. Allele origin: germline.
Comment: The p.V130A variant (also known as c.389T>C), located in coding exon 2 of the PTCH1 gene, results from a T to C substitution at nucleotide position 389. The valine at codon 130 is replaced by alanine, an amino acid with similar properties. This amino acid position is highly conserved in available vertebrate species. In addition, this alteration is predicted to be deleterious by in silico analysis. Based on the available evidence, the clinical significance of this variant remains unclear.

NM_000264.5(PTCH1):c.389T>C (p.Val130Ala)

Gene: PTCH1 (patched 1; minus strand). Cytogenetic location: 9q22.32.
Variant type: single nucleotide variant.
Coding change: c.389T>C on transcript NM_000264.5 (MANE Select); coding-DNA position 389, T replaced by C.
Protein change: p.Val130Ala; replaces valine 130 with alanine.
Molecular consequence: missense variant. On other transcripts: 5 prime UTR variant (4), non-coding transcript variant (1).
Genome position (GRCh38, 1-based): chr9:95,506,412, A>G on the plus strand (T>C on the coding strand, the complement: PTCH1 is on the minus strand). VCF-style: chr9-95506412-A-G. GRCh37 (hg19) VCF-style: chr9-98268694-A-G.
Other names: c.191T>C, p.Val64Ala (NM_001083602.3, NM_001354919.2); c.386T>C, p.Val129Ala (NM_001083603.3); c.-65T>C (NM_001083604.3, NM_001083605.3, NM_001083606.3 and 1 more transcripts); c.389T>C, p.Val130Ala (NM_001354918.2); short protein forms V129A, V130A, V64A.
Identifiers: ClinVar variation 2626213 (VCV002626213.3), dbSNP rs2118873297, ClinGen allele CA374120138.